The following is an entry in ClinVar:

GRCh37/hg19 22q11.21(chr22:18920000-21460000)x1

Genes: SERPIND1 (serpin family D member 1; plus strand), TRMT2A (tRNA methyltransferase 2 homolog A; minus strand), TSSK2 (testis specific serine kinase 2; plus strand), USP41 (ubiquitin specific peptidase 41; minus strand), TMEM191B (transmembrane protein 191B; plus strand) and 41 more. Cytogenetic location: 22q11.21.
Variant type: copy number loss.
Change: copy number 1 (one copy instead of two) of chr22:18,920,000-21,460,000 (2.54 Mb, GRCh37 coordinates, 1-based), cytogenetic band 22q11.21.
Identifiers: ClinVar variation 3770234 (VCV003770234.1).

ClinVar aggregate classification (germline): Pathogenic (1 of 4 stars; one submission).

Submission:

Department of Neurology, Zibo Changguo Hospital
Classification: Pathogenic. Last evaluated: 2025-01-11. Review status: criteria provided, single submitter. Criteria: ACMG/ClinGen CNV Guidelines, 2019. Collection method: clinical testing. Allele origin: unknown.
Comment: The deletion in this region of chromosome 22 is associated with 22q11.2 microdeletion syndrome [OMIM: 611867], which is caused by a contiguous heterozygous deletion in the 22q11.2 region or mutations in the critical gene TBX1. The ClinGen database has established that the pathogenic mechanism of this deletion region is related to haploinsufficiency. The DGV database does not cover this region.